The following is an entry in ClinVar:

ClinVar aggregate classification (germline): Pathogenic/Likely pathogenic. Review status: criteria provided, multiple submitters, no conflicts (2 of 4 stars). 6 submissions from 6 submitters: Pathogenic (4); Likely pathogenic (2). Last evaluated 2026-01-07.

Conditions:
CLCNKB-related condition.
CLCNKB-related disorders.
Bartter disease type 4B. Also called: BARTTER SYNDROME, TYPE 4B; BARTTER SYNDROME, TYPE 4B, NEONATAL, WITH SENSORINEURAL DEAFNESS; Bartter syndrome, type 4b, digenic. Identifiers: Orphanet 112, MedGen C4310805, MONDO:0000909, OMIM 613090.
Bartter disease type 3. Also called: Bartter syndrome type 3. Identifiers: Orphanet 112, Orphanet 93605, MedGen C1846343, MONDO:0011822, OMIM 607364.

Allele frequency attached by ClinVar (database versions not stated): gnomAD 0.00006 and 0.00008; TOPMed 0.00006; ESP Exome Variant Server 0.00015; gnomAD exomes 0.00015; ExAC 0.00021.

Submissions (6):

PreventionGenetics, part of Exact Sciences
Classification: Pathogenic for CLCNKB-related condition. Last evaluated: 2026-01-07. Review status: criteria provided, single submitter. Criteria: ACMG Guidelines, 2015. Collection method: clinical testing. Allele origin: germline.
Comment: The CLCNKB c.508G>A variant is predicted to result in the amino acid substitution p.Val170Met. This variant has been reported in the homozygous or compound heterozygous state in several individuals with features of Bartter syndrome (Supp. Table 4a, Vargas-Poussou et al. 2011. PubMed ID: 21415153; Tavira et al. 2014. PubMed ID: 24830959; García Castaño et al. 2017. PubMed ID: 28288174; Supp. Table 2 and 3 in Seys et al. 2017. PubMed ID: 28381550). This variant is reported in 0.054% of alleles in individuals of Latino descent in gnomAD and is interpreted as likely pathogenic or pathogenic in ClinVar (ClinVar ID:1322094). This variant is interpreted as pathogenic.

Dasa
Classification: Likely pathogenic. Last evaluated: 2025-11-28. Review status: criteria provided, single submitter. Criteria: DASA Assertion Criteria. Collection method: clinical testing. Allele origin: germline.
Comment: NM_000085.5(CLCNKB):c.508G>A (p.Val170Met) is a missense variant that results in the substitution of valine with methionine. Multiple computational predictions support a deleterious effect on the gene or gene product. The variant is present at low frequency in population datasets. Based on the available data, this variant is classified as likely pathogenic.

Genetic Services Laboratory, University of Chicago
Classification: Likely pathogenic. Last evaluated: 2025-10-13. Review status: criteria provided, single submitter. Criteria: ACMG Guidelines, 2015. Collection method: clinical testing. Allele origin: germline.
Comment: The c.508G>A variant: Results in an amino acid change, p.Val170Met. Affects a highly conserved amino acid residue located in a domain of the CLCNKB protein that is known to be functional. Appearsto be deleterious/possibly damaging using several in-silico pathogenicity prediction tools (SIFT, PolyPhen2, Align GVGD, REVEL). Has been described in the literature in other individuals with CLCNKB-related Gitelman syndrome and/or Barrter syndrome (PMIDs: 21415153, 24058621, 24830959, 28381550, 24271511). Has been described in the gnomAD database with a frequency of 0.054% in the Latino/Admixed American subpopulation (dbSNP rs202064075). Functional studies of the p.Val170Met sequence change modeled in Xenopus oocytes predict that this sequence change results in reduced chloride channel activity versus wild-type CLCNKB; however, the physiological relevance of this finding is unclear (PMID: 24271511). ClinVar contains an entry for this variant (Variation ID: 1322094). Collectively, this evidence indicates that this sequence change is likely pathogenic.

Blueprint Genetics
Classification: Pathogenic for CLCNKB-related disorders. Last evaluated: 2024-11-21. Review status: criteria provided, single submitter. Criteria: ACMG Guidelines, 2015. Collection method: clinical testing. Allele origin: germline. Affected: yes. Observed: 5 variant alleles.

Labcorp Genetics (formerly Invitae), Labcorp
Classification: Pathogenic. Last evaluated: 2023-09-27. Review status: criteria provided, single submitter. Criteria: Invitae Variant Classification Sherloc (09022015). Collection method: clinical testing. Allele origin: germline.
Comment: For these reasons, this variant has been classified as Pathogenic. Experimental studies are conflicting or provide insufficient evidence to determine the effect of this variant on CLCNKB function (PMID: 24271511). Advanced modeling of protein sequence and biophysical properties (such as structural, functional, and spatial information, amino acid conservation, physicochemical variation, residue mobility, and thermodynamic stability) has been performed at Invitae for this missense variant, however the output from this modeling did not meet the statistical confidence thresholds required to predict the impact of this variant on CLCNKB protein function. ClinVar contains an entry for this variant (Variation ID: 1322094). This missense change has been observed in individual(s) with Gitelman’s syndrome and/or Bartter syndrome (PMID: 21415153, 24058621, 24830959, 28381550). In at least one individual the data is consistent with being in trans (on the opposite chromosome) from a pathogenic variant. This variant is present in population databases (rs202064075, gnomAD 0.06%). This sequence change replaces valine, which is neutral and non-polar, with methionine, which is neutral and non-polar, at codon 170 of the CLCNKB protein (p.Val170Met).

Fulgent Genetics
Classification: Pathogenic for Bartter disease type 3; Bartter disease type 4B. Last evaluated: 2022-04-20. Review status: criteria provided, single submitter. Criteria: ACMG Guidelines, 2015. Collection method: clinical testing. Allele origin: unknown.

Literature cited by the submitters: PubMed 24271511 (cited by Labcorp Genetics (formerly Invitae), Labcorp); PubMed 21415153 (cited by Labcorp Genetics (formerly Invitae), Labcorp); PubMed 24058621 (cited by Labcorp Genetics (formerly Invitae), Labcorp); PubMed 24830959 (cited by Labcorp Genetics (formerly Invitae), Labcorp); PubMed 28381550 (cited by Labcorp Genetics (formerly Invitae), Labcorp).

NM_000085.5(CLCNKB):c.508G>A (p.Val170Met)

Genes: CLCNKB (chloride voltage-gated channel Kb; plus strand), LOC106501713 (CLCNKB recombination region; plus strand). Cytogenetic location: 1p36.13.
Variant type: single nucleotide variant.
Coding change: c.508G>A on transcript NM_000085.5 (MANE Select); coding-DNA position 508, G replaced by A.
Protein change: p.Val170Met; replaces valine 170 with methionine.
Molecular consequence: missense variant.
Genome position (GRCh38, 1-based): chr1:16,048,352, G>A. VCF-style: chr1-16048352-G-A. GRCh37 (hg19) VCF-style: chr1-16374847-G-A.
Other names: c.508G>A (NM_000085.4); short protein forms V170M.
Identifiers: ClinVar variation 1322094 (VCV001322094.12), dbSNP rs202064075, ClinGen allele CA623350.